The following is an entry in ClinVar:

ClinVar aggregate classification (germline): Likely benign. Review status: criteria provided, multiple submitters, no conflicts (2 of 4 stars). 2 submissions from 2 submitters: Likely benign (2). Last evaluated 2025-08-01.

Conditions:
Wilms tumor 1 (WT1). Also called: Wilms tumor, somatic. Identifiers: Orphanet 654, MedGen CN033288, MONDO:0008679, OMIM 194070.

Submissions (2):

CeGaT Center for Human Genetics Tuebingen
Classification: Likely benign. Last evaluated: 2025-08-01. Review status: criteria provided, single submitter. Criteria: CeGaT Center For Human Genetics Tuebingen Variant Classification Criteria Version 2. Collection method: clinical testing. Allele origin: germline. Affected: yes. Observed: 1 variant allele.
Comment: GPC3: PM2:Supporting, BP4, BP7

Labcorp Genetics (formerly Invitae), Labcorp
Classification: Likely benign for Wilms tumor 1. Last evaluated: 2021-10-23. Review status: criteria provided, single submitter. Criteria: Invitae Variant Classification Sherloc (09022015). Collection method: clinical testing. Allele origin: germline.

NM_004484.4(GPC3):c.918T>G (p.Leu306=)

Gene: GPC3 (glypican 3; minus strand). Cytogenetic location: Xq26.2.
Variant type: single nucleotide variant.
Coding change: c.918T>G on transcript NM_004484.4 (MANE Select); coding-DNA position 918, T replaced by G.
Protein change: p.Leu306=; no amino-acid change (leucine 306 retained).
Molecular consequence: synonymous variant.
Genome position (GRCh38, 1-based): chrX:133,753,596, A>C on the plus strand (T>G on the coding strand, the complement: GPC3 is on the minus strand). VCF-style: chrX-133753596-A-C. GRCh37 (hg19) VCF-style: chrX-132887623-A-C.
Other names: c.918T>G, p.Leu306= (NM_001164617.2); c.870T>G, p.Leu290= (NM_001164618.2); c.756T>G, p.Leu252= (NM_001164619.2).
Identifiers: ClinVar variation 1159485 (VCV001159485.17), dbSNP rs753655328, ClinGen allele CA518852512.
Genomic context (GRCh38, chrX:133,753,596, plus strand): 5'-TGTTGAAAAGAGACCAAGCAGTACGTTCTCCATGTCATAGATTCTGTACATGCCATTCAC[A>C]AGTTCTTCAAGGGACAGAATGTATTCTCTCCAGTACTTGTCAATCTCCACCACACCTGCC-3'
Protein context (NP_004475.1, residues 296-316): WREYILSLEE[Leu306=]VNGMYRIYDM